The following is an entry in ClinVar:

ClinVar aggregate classification (germline): Uncertain significance (1 of 4 stars; one submission).

gnomAD v4.1: 3 of 1,612,940 alleles (0.00019%); highest among the groups gnomAD compares: Non-Finnish European, 0.00025%; no homozygotes.

Submission:

Labcorp Genetics (formerly Invitae), Labcorp
Classification: Uncertain significance. Last evaluated: 2021-01-13. Review status: criteria provided, single submitter. Criteria: Invitae Variant Classification Sherloc (09022015). Collection method: clinical testing. Allele origin: germline.
Comment: This variant has not been reported in the literature in individuals with RP1L1-related conditions. Advanced modeling of protein sequence and biophysical properties (such as structural, functional, and spatial information, amino acid conservation, physicochemical variation, residue mobility, and thermodynamic stability) performed at Invitae indicates that this missense variant is not expected to disrupt RP1L1 protein function. In summary, the available evidence is currently insufficient to determine the role of this variant in disease. Therefore, it has been classified as a Variant of Uncertain Significance. This variant is present in population databases (rs761018819, ExAC 0.003%). This sequence change replaces proline with histidine at codon 109 of the RP1L1 protein (p.Pro109His). The proline residue is weakly conserved and there is a moderate physicochemical difference between proline and histidine.

NM_178857.6(RP1L1):c.326C>A (p.Pro109His)

Gene: RP1L1 (RP1 like 1). Cytogenetic location: 8p23.1.
Variant type: single nucleotide variant.
Coding change: c.326C>A on transcript NM_178857.6 (MANE Select); coding-DNA position 326, C replaced by A.
Protein change: p.Pro109His; replaces proline 109 with histidine.
Molecular consequence: missense variant.
Genome position (GRCh38, 1-based): chr8:10,622,876, G>T on the plus strand (C>A on the coding strand, the complement: RP1L1 is on the minus strand). VCF-style: chr8-10622876-G-T. GRCh37 (hg19) VCF-style: chr8-10480386-G-T.
Other names: short protein forms P109H.
Identifiers: ClinVar variation 1403317 (VCV001403317.8), dbSNP rs761018819, ClinGen allele CA4625761.